The following is an entry in ClinVar:

NM_201253.3(CRB1):c.2355del (p.Lys785fs)

Gene: CRB1 (crumbs cell polarity complex component 1; plus strand). Cytogenetic location: 1q31.3.
Variant type: Deletion.
Coding change: c.2355del on transcript NM_201253.3 (MANE Select); coding-DNA position 2355, one base deleted (A; older notation c.2355delA).
Protein change: p.Lys785fs; shifts the reading frame from lysine 785.
Molecular consequence: frameshift variant. On other transcripts: non-coding transcript variant (2), intron variant (1).
Genome position (GRCh38, 1-based): chr1:197,427,680, A deleted; the last of 4 consecutive A bases (chr1:197,427,677-197,427,680); deleting any one gives the same sequence. VCF-style (leftmost placement, unchanged base first): chr1-197427676-TA-T. GRCh37 (hg19) VCF-style: chr1-197396806-TA-T.
Other names: c.2019del, p.Lys673fs (NM_001193640.2); c.2148del, p.Lys716fs (NM_001257965.2); c.2128+5724del (NM_001257966.2); short protein forms K673fs, K716fs, K785fs.
Identifiers: ClinVar variation 2105408 (VCV002105408.4), dbSNP rs2528149815, ClinGen allele CA2574105528.

ClinVar aggregate classification (germline): Pathogenic (1 of 4 stars; one submission).

Conditions:
Leber congenital amaurosis 8 (LCA8). Identifiers: Orphanet 65, MedGen C3151202, MONDO:0013453, OMIM 613835.
Retinitis pigmentosa 12 (RP12). Also called: RP WITH OR WITHOUT PRESERVED PARAARTERIOLE RETINAL PIGMENT EPITHELIUM; RETINITIS PIGMENTOSA WITH OR WITHOUT PARAARTERIOLAR PRESERVATION OF RETINAL PIGMENT EPITHELIUM; RP WITH OR WITHOUT PPRPE. Identifiers: Orphanet 791, MedGen C1838647, MONDO:0010818, OMIM 600105.

Submission:

Labcorp Genetics (formerly Invitae), Labcorp
Classification: Pathogenic for Leber congenital amaurosis 8; Retinitis pigmentosa 12. Last evaluated: 2025-02-17. Review status: criteria provided, single submitter. Criteria: Invitae Variant Classification Sherloc (09022015). Collection method: clinical testing. Allele origin: germline.
Comment: This sequence change creates a premature translational stop signal (p.Lys785Asnfs*11) in the CRB1 gene. It is expected to result in an absent or disrupted protein product. Loss-of-function variants in CRB1 are known to be pathogenic (PMID: 10508521, 22065545, 23379534, 25412400, 26957898, 28041643, 29391521). This variant is not present in population databases (gnomAD no frequency). This variant has not been reported in the literature in individuals affected with CRB1-related conditions. ClinVar contains an entry for this variant (Variation ID: 2105408). For these reasons, this variant has been classified as Pathogenic.

Literature cited by the submitters: PubMed 10508521; PubMed 22065545; PubMed 23379534; PubMed 25412400; PubMed 26957898; PubMed 28041643; PubMed 29391521.